The following is an entry in ClinVar:

ClinVar aggregate classification (germline): Uncertain significance (1 of 4 stars; one submission).

Conditions:
Chédiak-Higashi syndrome (CHS). Also called: Chediak-Higashi Syndrome. Identifiers: Orphanet 167, MedGen C0007965, MONDO:0008963, OMIM 214500.

Submission:

Labcorp Genetics (formerly Invitae), Labcorp
Classification: Uncertain significance for Chédiak-Higashi syndrome. Last evaluated: 2022-04-09. Review status: criteria provided, single submitter. Criteria: Invitae Variant Classification Sherloc (09022015). Collection method: clinical testing. Allele origin: germline.
Comment: In summary, the available evidence is currently insufficient to determine the role of this variant in disease. Therefore, it has been classified as a Variant of Uncertain Significance. This sequence change replaces asparagine, which is neutral and polar, with aspartic acid, which is acidic and polar, at codon 3770 of the LYST protein (p.Asn3770Asp). This variant is not present in population databases (gnomAD no frequency). This variant has not been reported in the literature in individuals affected with LYST-related conditions. Algorithms developed to predict the effect of missense changes on protein structure and function are either unavailable or do not agree on the potential impact of this missense change (SIFT: "Tolerated"; PolyPhen-2: "Possibly Damaging"; Align-GVGD: "Class C0").

NM_000081.4(LYST):c.11308A>G (p.Asn3770Asp)

Gene: LYST (lysosomal trafficking regulator; minus strand). Cytogenetic location: 1q42.3.
Variant type: single nucleotide variant.
Coding change: c.11308A>G on transcript NM_000081.4 (MANE Select); coding-DNA position 11308, A replaced by G.
Protein change: p.Asn3770Asp; replaces asparagine 3770 with aspartic acid.
Molecular consequence: missense variant.
Genome position (GRCh38, 1-based): chr1:235,663,038, T>C on the plus strand (A>G on the coding strand, the complement: LYST is on the minus strand). VCF-style: chr1-235663038-T-C. GRCh37 (hg19) VCF-style: chr1-235826338-T-C.
Other names: c.11308A>G, p.Asn3770Asp (NM_001301365.1); short protein forms N3770D.
Identifiers: ClinVar variation 2108479 (VCV002108479.4), dbSNP rs1658156540, ClinGen allele CA344984296.